The following is an entry in ClinVar:

ClinVar aggregate classification (germline): Uncertain significance (1 of 4 stars; one submission).

Conditions:
Martsolf syndrome (MARTS). Also called: Congenital cataract with intellectual disability and hypogonadotropic hypogonadism syndrome. Identifiers: Orphanet 1387, MedGen C0796037, MONDO:0023910.
Warburg micro syndrome 2 (WARBM2). Also called: MICRO SYNDROME 2. Identifiers: Orphanet 2510, MedGen C3280214, MONDO:0013641, OMIM 614225.

Submission:

Labcorp Genetics (formerly Invitae), Labcorp
Classification: Uncertain significance for Martsolf syndrome; Warburg micro syndrome 2. Last evaluated: 2022-07-19. Review status: criteria provided, single submitter. Criteria: Invitae Variant Classification Sherloc (09022015). Collection method: clinical testing. Allele origin: germline.
Comment: In summary, the available evidence is currently insufficient to determine the role of this variant in disease. Therefore, it has been classified as a Variant of Uncertain Significance. This sequence change replaces methionine, which is neutral and non-polar, with lysine, which is basic and polar, at codon 855 of the RAB3GAP2 protein (p.Met855Lys). This variant is not present in population databases (gnomAD no frequency). This variant has not been reported in the literature in individuals affected with RAB3GAP2-related conditions. ClinVar contains an entry for this variant (Variation ID: 850552). Algorithms developed to predict the effect of missense changes on protein structure and function (SIFT, PolyPhen-2, Align-GVGD) all suggest that this variant is likely to be tolerated.

NM_012414.4(RAB3GAP2):c.2564T>A (p.Met855Lys)

Gene: RAB3GAP2 (RAB3 GTPase activating non-catalytic protein subunit 2; minus strand). Cytogenetic location: 1q41.
Variant type: single nucleotide variant.
Coding change: c.2564T>A on transcript NM_012414.4 (MANE Select); coding-DNA position 2564, T replaced by A.
Protein change: p.Met855Lys; replaces methionine 855 with lysine.
Molecular consequence: missense variant.
Genome position (GRCh38, 1-based): chr1:220,171,902, A>T on the plus strand (T>A on the coding strand, the complement: RAB3GAP2 is on the minus strand). VCF-style: chr1-220171902-A-T. GRCh37 (hg19) VCF-style: chr1-220345244-A-T.
Other names: short protein forms M855K.
Identifiers: ClinVar variation 850552 (VCV000850552.9), dbSNP rs1658184967, ClinGen allele CA344638290.